The following is an entry in ClinVar:

NM_001378418.1(TCF20):c.198G>A (p.Ala66=)

Gene: TCF20 (transcription factor 20; minus strand). Cytogenetic location: 22q13.2.
Variant type: single nucleotide variant.
Coding change: c.198G>A on transcript NM_001378418.1 (MANE Select); coding-DNA position 198, G replaced by A.
Protein change: p.Ala66=; no amino-acid change (alanine 66 retained).
Molecular consequence: synonymous variant.
Genome position (GRCh38, 1-based): chr22:42,215,108, C>T on the plus strand (G>A on the coding strand, the complement: TCF20 is on the minus strand). VCF-style: chr22-42215108-C-T. GRCh37 (hg19) VCF-style: chr22-42611114-C-T.
Other names: c.198G>A, p.Ala66= (NM_005650.4, NM_181492.3).
Identifiers: ClinVar variation 2906170 (VCV002906170.10), dbSNP rs201535666, ClinGen allele CA10267413.
Genomic context (GRCh38, chr22:42,215,108, plus strand): 5'-AGCCTCTTTCCTGAAACCCTGGTAACCTTGATGGCCAGAGGTCTCGCTAGCCATCGCTGC[C>T]GCAGCAGCTGCTGCTCCTCGTCGTCCACCACCACTGCCACTGCCACTGCTGCCACTACTG-3'
Protein context (NP_001365347.1, residues 56-76): GGGRRGAAAA[Ala66=]AAMASETSGH

ClinVar aggregate classification (germline): Likely benign. Review status: criteria provided, multiple submitters, no conflicts (2 of 4 stars). 3 submissions from 3 submitters: Likely benign (3). Last evaluated 2025-10-01.

Allele frequency attached by ClinVar (database versions not stated): ExAC 0.00002; ESP Exome Variant Server 0.00008; TOPMed 0.00008; gnomAD 0.00010; 1000 Genomes Project 0.00020; 1000 Genomes Project 30x 0.00031.
gnomAD v4.1: 65 of 1,614,144 alleles (0.004%); highest among the groups gnomAD compares: African/African-American, 0.031%; 1 homozygote.

Submissions (3):

CeGaT Center for Human Genetics Tuebingen
Classification: Likely benign. Last evaluated: 2025-10-01. Review status: criteria provided, single submitter. Criteria: CeGaT Center For Human Genetics Tuebingen Variant Classification Criteria Version 2. Collection method: clinical testing. Allele origin: germline. Affected: yes. Observed: 1 variant allele.
Comment: TCF20: BP4, BP7

Labcorp Genetics (formerly Invitae), Labcorp
Classification: Likely benign. Last evaluated: 2025-03-30. Review status: criteria provided, single submitter. Criteria: Invitae Variant Classification Sherloc (09022015). Collection method: clinical testing. Allele origin: germline.

Blueprint Genetics
Classification: Likely benign. Last evaluated: 2024-03-15. Review status: criteria provided, single submitter. Criteria: ACMG Guidelines, 2015. Collection method: clinical testing. Allele origin: germline.